The following is an entry in ClinVar:

ClinVar aggregate classification (germline): Conflicting classifications of pathogenicity. Review status: criteria provided, conflicting classifications (1 of 4 stars). 9 submissions from 8 submitters: Uncertain significance (4); Benign (1); Likely benign (4). Last evaluated 2026-09-01.

Conditions:
BMP4-related disorder. Also called: BMP4-related condition.
Inborn genetic diseases. Identifiers: MedGen C0950123, MeSH D030342.
Microphthalmia with brain and digit anomalies (MCOPS6). Also called: Microphthalmia, syndromic 6; MICROPHTHALMIA AND PITUITARY ANOMALIES. Identifiers: Orphanet 139471, MedGen C1864689, MONDO:0011936, OMIM 607932.
Orofacial cleft 11 (OFC11). Also called: CLEFT LIP WITH OR WITHOUT CLEFT PALATE, NONSYNDROMIC, 11; Orofacial cleft 11; ofc11. Identifiers: MedGen C2677434, MONDO:0010906, OMIM 600625.
Intellectual disability. Also called: Intellectual functioning disability; Intellectual developmental disorder; intellectual disabilities. Identifiers: MedGen C3714756, MeSH D008607, MONDO:0001071, HP:0001249.

Allele frequency attached by ClinVar (database versions not stated): gnomAD 0.00026; ExAC 0.00028; gnomAD exomes 0.00028; TOPMed 0.00038; ESP Exome Variant Server 0.00046.

Submissions (9):

CeGaT Center for Human Genetics Tuebingen
Classification: Likely benign. Last evaluated: 2026-09-01. Review status: criteria provided, single submitter. Criteria: CeGaT Center For Human Genetics Tuebingen Variant Classification Criteria Version 2. Collection method: clinical testing. Allele origin: germline. Affected: yes. Observed: 6 variant alleles.
Comment: BMP4: PM5, BP4, BS2

Labcorp Genetics (formerly Invitae), Labcorp
Classification: Uncertain significance for Microphthalmia with brain and digit anomalies; Orofacial cleft 11. Last evaluated: 2025-12-22. Review status: criteria provided, single submitter. Criteria: Invitae Variant Classification Sherloc (09022015). Collection method: clinical testing. Allele origin: germline.
Comment: This sequence change replaces alanine, which is neutral and non-polar, with proline, which is neutral and non-polar, at codon 42 of the BMP4 protein (p.Ala42Pro). This variant is present in population databases (rs140920120, gnomAD 0.06%), and has an allele count higher than expected for a pathogenic variant. This missense change has been observed in individual(s) with tooth agenesis (PMID: 23841782). ClinVar contains an entry for this variant (Variation ID: 881629). An algorithm developed to predict the effect of missense changes on protein structure and function (PolyPhen-2) suggests that this variant is likely to be tolerated. Experimental studies have shown that this missense change affects BMP4 function (PMID: 23841782). In summary, the available evidence is currently insufficient to determine the role of this variant in disease. Therefore, it has been classified as a Variant of Uncertain Significance.

PreventionGenetics, part of Exact Sciences
Classification: Uncertain significance for BMP4-related condition. Last evaluated: 2025-10-22. Review status: criteria provided, single submitter. Criteria: ACMG Guidelines, 2015. Collection method: clinical testing. Allele origin: germline.
Comment: The BMP4 c.124G>C variant is predicted to result in the amino acid substitution p.Ala42Pro. This variant has been reported in two members of a pedigree who were both affected with tooth agenesis (Huang et al. 2013. PubMed ID: 23841782). This variant has also been reported in a large variant study of the Turkish population (Kars et al. 2021. PubMed ID: 34426522). This finding of the variant in the Turkish population is in agreement with the gnomAD database which reports this variant in several populations including in 0.059% of alleles in individuals of European (Non-Finnish) descent in gnomAD. This variant has been interpreted as both uncertain and likely benign in the ClinVar database. This variant could be benign. At this time, we interpret the clinical significance of this variant to be uncertain due to the absence of conclusive functional and genetic evidence.

Blueprint Genetics
Classification: Likely benign. Last evaluated: 2024-10-03. Review status: criteria provided, single submitter. Criteria: ACMG Guidelines, 2015. Collection method: clinical testing. Allele origin: germline.

GeneDx
Classification: Uncertain significance. Last evaluated: 2023-01-03. Review status: criteria provided, single submitter. Criteria: GeneDx Variant Classification Process June 2021. Collection method: clinical testing. Allele origin: germline. Affected: yes.
Comment: Published functional studies demonstrate a subtle effect on BMP4 prodomain attachment, storage or transport in the extracellular matrix (Huang et al., 2013); In silico analysis supports that this missense variant does not alter protein structure/function; This variant is associated with the following publications: (PMID: 34426522, 31128441, 23841782, 29641532, 26740555, 28944238, 35805171)

Ambry Genetics
Classification: Likely benign for Inborn genetic diseases. Last evaluated: 2022-01-19. Review status: criteria provided, single submitter. Criteria: Ambry Variant Classification Scheme 2023. Collection method: clinical testing. Allele origin: germline.

Cambridge Genomics Laboratory, East Genomic Laboratory Hub, NHS Genomic Medicine Service
Classification: Benign for Intellectual disability. Last evaluated: 2020-03-09. Review status: criteria provided, single submitter. Criteria: ACGS Best Practice Guidelines for Variant Classification in Rare Disease 2020. Collection method: clinical testing. Allele origin: germline. Affected: yes. Observed: 1 variant allele.

Illumina Laboratory Services, Illumina
Classification: Uncertain significance for Orofacial cleft 11. Last evaluated: 2017-04-27. Review status: criteria provided, single submitter. Criteria: ICSL Variant Classification Criteria 13 December 2019. Collection method: clinical testing. Allele origin: germline.

Illumina Laboratory Services, Illumina
Classification: Likely benign for Microphthalmia with brain and digit anomalies. Last evaluated: 2017-04-27. Review status: criteria provided, single submitter. Criteria: ICSL Variant Classification Criteria 13 December 2019. Collection method: clinical testing. Allele origin: germline.
Comment: This variant was observed as part of a predisposition screen in an ostensibly healthy population. A literature search was performed for the gene, cDNA change, and amino acid change (where applicable). No publications were found based on this search. Allele frequency data from public databases allowed determination this variant is unlikely to cause disease. Therefore, this variant is classified as likely benign.

Literature cited by the submitters: PubMed 23841782 (cited by Labcorp Genetics (formerly Invitae), Labcorp).

NM_001202.6(BMP4):c.124G>C (p.Ala42Pro)

Gene: BMP4 (bone morphogenetic protein 4; minus strand). Cytogenetic location: 14q22.2.
Variant type: single nucleotide variant.
Coding change: c.124G>C on transcript NM_001202.6 (MANE Select); coding-DNA position 124, G replaced by C.
Protein change: p.Ala42Pro; replaces alanine 42 with proline.
Molecular consequence: missense variant. On other transcripts: 5 prime UTR variant (3).
Genome position (GRCh38, 1-based): chr14:53,952,099, C>G on the plus strand (G>C on the coding strand, the complement: BMP4 is on the minus strand). VCF-style: chr14-53952099-C-G. GRCh37 (hg19) VCF-style: chr14-54418817-C-G.
Other names: c.124G>C, p.Ala42Pro (NM_130850.5, NM_130851.4, NM_001347914.2 and 1 more transcripts); c.265G>C, p.Ala89Pro (NM_001347912.1); c.-66G>C (NM_001347913.2, NM_001347915.2, NM_001347917.1); c.124G>C (NM_001202.5); short protein forms A42P, A89P.
Identifiers: ClinVar variation 881629 (VCV000881629.38), dbSNP rs140920120, ClinGen allele CA7191822.